The following is an entry in ClinVar:

ClinVar aggregate classification (germline): Uncertain significance. Review status: criteria provided, single submitter (1 of 4 stars). 2 submissions from 2 submitters: Uncertain significance (1). 1 of the submissions does not count toward it. Last evaluated 2025-06-01.

Conditions:
Cardiomyopathy (CMYO). Also called: Cardiomyopathies. Identifiers: Orphanet 167848, MedGen C0878544, MONDO:0004994, HP:0001638. Inheritance: Various modes of inheritance.
Dystrophin deficiency.
Duchenne muscular dystrophy (DMD). Also called: MUSCULAR DYSTROPHY, PSEUDOHYPERTROPHIC PROGRESSIVE, DUCHENNE TYPE; Duchenne Muscular Dystrophy (DMD). Identifiers: Orphanet 98896, MedGen C0013264, MONDO:0010679, OMIM 310200.
Becker muscular dystrophy (BMD). Also called: Becker Muscular Dystrophy (BMD); MUSCULAR DYSTROPHY, PSEUDOHYPERTROPHIC PROGRESSIVE, BECKER TYPE. Identifiers: Orphanet 98895, MedGen C0917713, MONDO:0010311, OMIM 300376.

Allele frequency attached by ClinVar (database versions not stated): gnomAD 0.00001.
gnomAD v4.1: 1 of 1,209,457 alleles (0.000083%); highest among the groups gnomAD compares: African/African-American, 0.0017%; no homozygotes.

Submissions (2):

Labcorp Genetics (formerly Invitae), Labcorp
Classification: Uncertain significance for Duchenne muscular dystrophy. Last evaluated: 2025-06-01. Review status: criteria provided, single submitter. Criteria: Invitae Variant Classification Sherloc (09022015). Collection method: clinical testing. Allele origin: germline.
Comment: This sequence change replaces proline, which is neutral and non-polar, with leucine, which is neutral and non-polar, at codon 3047 of the DMD protein (p.Pro3047Leu). This variant is present in population databases (no rsID available, gnomAD 0.02%). This variant has not been reported in the literature in individuals affected with DMD-related conditions. ClinVar contains an entry for this variant (Variation ID: 1025833). Invitae Evidence Modeling of protein sequence and biophysical properties (such as structural, functional, and spatial information, amino acid conservation, physicochemical variation, residue mobility, and thermodynamic stability) indicates that this missense variant is not expected to disrupt DMD protein function with a negative predictive value of 95%. In summary, the available evidence is currently insufficient to determine the role of this variant in disease. Therefore, it has been classified as a Variant of Uncertain Significance.

Natera, Inc.
Classification: Uncertain significance for Becker muscular dystrophy; Cardiomyopathy; Duchenne muscular dystrophy; Dystrophin deficiency. Last evaluated: 2019-06-19. Review status: no assertion criteria provided. Collection method: clinical testing. Allele origin: germline. Not counted in ClinVar's aggregate classification.

NM_004006.3(DMD):c.9140C>T (p.Pro3047Leu)

Gene: DMD (dystrophin; minus strand). Cytogenetic location: Xp21.2.
Variant type: single nucleotide variant.
Coding change: c.9140C>T on transcript NM_004006.3 (MANE Select); coding-DNA position 9140, C replaced by T.
Protein change: p.Pro3047Leu; replaces proline 3047 with leucine.
Molecular consequence: missense variant.
Genome position (GRCh38, 1-based): chrX:31,348,579, G>A on the plus strand (C>T on the coding strand, the complement: DMD is on the minus strand). VCF-style: chrX-31348579-G-A. GRCh37 (hg19) VCF-style: chrX-31366696-G-A.
Other names: c.9116C>T, p.Pro3039Leu (NM_000109.4); c.9128C>T, p.Pro3043Leu (NM_004009.3); c.8771C>T, p.Pro2924Leu (NM_004010.3); c.5117C>T, p.Pro1706Leu (NM_004011.4); c.5108C>T, p.Pro1703Leu (NM_004012.4); c.1760C>T, p.Pro587Leu (NM_004013.3, NM_004020.4, NM_004021.3 and 2 more transcripts); c.953C>T, p.Pro318Leu (NM_004014.3); short protein forms P1703L, P1706L, P2924L, P3039L, P3043L, P3047L, P318L, P587L.
Identifiers: ClinVar variation 1025833 (VCV001025833.10), dbSNP rs1303381637, ClinGen allele CA412653670.